The following is an entry in ClinVar:

ClinVar aggregate classification (germline): Uncertain significance. Review status: criteria provided, multiple submitters, no conflicts (2 of 4 stars). 3 submissions from 3 submitters: Uncertain significance (2). 1 of the submissions does not count toward it. Last evaluated 2025-08-26.

Conditions:
Hereditary cancer-predisposing syndrome. Also called: Tumor predisposition; Hereditary neoplastic syndrome; Hereditary Cancer Syndrome; Neoplastic Syndromes, Hereditary. Identifiers: Orphanet 140162, MedGen C0027672, MeSH D009386, MONDO:0015356.
Hereditary breast ovarian cancer syndrome. Also called: Hereditary breast and ovarian cancer syndrome; Hereditary breast and ovarian cancer; Hereditary breast and ovarian cancer syndrome (HBOC); BRCA1- and BRCA2-Associated Hereditary Breast and Ovarian Cancer; Hereditary breast and/or ovarian cancer syndrome; Breast and ovarian cancer. Identifiers: Orphanet 145, MedGen C0677776, MeSH D061325, MONDO:0003582. Disease mechanism: loss of function.

Submissions (3):

Ambry Genetics
Classification: Uncertain significance for Hereditary cancer-predisposing syndrome. Last evaluated: 2025-08-26. Review status: criteria provided, single submitter. Criteria: Ambry Variant Classification Scheme 2023. Collection method: clinical testing. Allele origin: germline.
Comment: The c.4186-1G>T intronic variant results from a G to T substitution one nucleotide before coding exon 11 of the BRCA1 gene. This nucleotide position is highly conserved in available vertebrate species. In silico splice site analysis predicts that this alteration will weaken the native splice acceptor site, but maintain a known cryptic splice acceptor site 3 nucleotides downstream of the native acceptor site. A transcript resulting from use of this alternate splice acceptor is commonly present in controls (Ambry internal data), and has also been reported as a predominant naturally occurring, alternatively-spliced isoform (Colombo M et al. Hum Mol Genet. 2014 Jul;23(14):3666-80), and would result in the deletion of a single amino acid (p.Q1396del). RNA studies have demonstrated that this alteration results in a transcript predicted to lead to a protein with an in-frame deletion of one amino acid; however, the exact functional impact of the deleted amino acid is unknown at this time (Ambry internal data). Based on the available evidence, the clinical significance of this variant remains unclear.

Labcorp Genetics (formerly Invitae), Labcorp
Classification: Uncertain significance for Hereditary breast ovarian cancer syndrome. Last evaluated: 2024-06-19. Review status: criteria provided, single submitter. Criteria: Invitae Variant Classification Sherloc (09022015). Collection method: clinical testing. Allele origin: germline.
Comment: This sequence change affects an acceptor splice site in intron 11 of the BRCA1 gene. RNA analysis indicates that disruption of this splice site induces altered splicing and likely results in the loss of 1 amino acid residue(s), but is expected to preserve the integrity of the reading-frame. This variant is not present in population databases (gnomAD no frequency). This variant has not been reported in the literature in individuals affected with BRCA1-related conditions. ClinVar contains an entry for this variant (Variation ID: 1049213). Studies have shown that disruption of this splice site results in the activation of a cryptic splice site in exon 12 (PMID: 24569164; Invitae). In summary, the available evidence is currently insufficient to determine the role of this variant in disease. Therefore, it has been classified as a Variant of Uncertain Significance.

Department of Pathology and Laboratory Medicine, Sinai Health System
Classification: Pathogenic. Review status: no assertion criteria provided. Collection method: clinical testing. Allele origin: unknown. Affected: yes. Study: The Canadian Open Genetics Repository (COGR). Not counted in ClinVar's aggregate classification.
Comment: The BRCA1 c.4186-1G>T variant was not identified in the literature nor was it identified in the dbSNP, ClinVar, GeneInsight-COGR, Cosmic, LOVD 3.0, UMD-LSDB, BIC Database, ARUP Laboratories, or Zhejiang University databases. The variant was not identified in the following control databases: the 1000 Genomes Project, the NHLBI GO Exome Sequencing Project, the Exome Aggregation Consortium (August 8th 2016), or the Genome Aggregation Database (Feb 27, 2017). The c.4186-1G>T variant is predicted to cause abnormal splicing because the nucleotide substitution occurs in the invariant region of the splice consensus sequence. In addition, in silico or computational prediction software programs (SpliceSiteFinder, MaxEntScan, GeneSplicer, HumanSpliceFinder) predict a greater than 10% difference in splicing. Please note another variant, c.4186-1G>A at the same position with different nucleotide change was found in ARUP Laboratories Database and was classified as class-5 definitely pathogenic. In summary, based on the above information this variant meets our laboratoryâ€šÃ„Ã´s criteria to be classified as pathogenic.

Literature cited by the submitters: PubMed 24569164 (cited by Labcorp Genetics (formerly Invitae), Labcorp).

NM_007294.4(BRCA1):c.4186-1G>T

Gene: BRCA1 (BRCA1 DNA repair associated; minus strand). Cytogenetic location: 17q21.31.
Variant type: single nucleotide variant.
Coding change: c.4186-1G>T on transcript NM_007294.4 (MANE Select); the canonical splice acceptor site of the intron before coding-DNA position 4186, G replaced by T.
Molecular consequence: splice acceptor variant. On other transcripts: intron variant (84).
Genome position (GRCh38, 1-based): chr17:43,082,576, C>A on the plus strand (G>T on the coding strand, the complement: BRCA1 is on the minus strand). VCF-style: chr17-43082576-C-A. GRCh37 (hg19) VCF-style: chr17-41234593-C-A.
Other names: c.874-4G>T (NM_001408402.1, NM_001408401.1, NM_001408400.1 and 1 more transcripts); c.874-1G>T (NM_001408473.1, NM_001408399.1, NM_001407984.1 and 9 more transcripts); c.4183-4G>T (NM_001407645.1, NM_001407628.1, NM_001407632.1 and 5 more transcripts); c.4183-1G>T (NM_001407637.1, NM_001407860.1, NM_001407611.1 and 14 more transcripts); c.754-4G>T (NM_001408443.1, NM_001408444.1, NM_001408441.1 and 1 more transcripts); c.754-1G>T (NM_001408439.1, NM_001408425.1, NM_001408436.1 and 8 more transcripts); c.736-1G>T (NM_001408458.1, NM_001408453.1, NM_001408461.1 and 8 more transcripts); c.3298-1G>T (NM_001407967.1, NM_001407966.1); and 64 more.
Identifiers: ClinVar variation 1049213 (VCV001049213.6), dbSNP rs397509150, ClinGen allele CA10593348.